The following is an entry in ClinVar:

NM_000179.3(MSH6):c.1873T>G (p.Ser625Ala)

Gene: MSH6 (mutS homolog 6; plus strand). Cytogenetic location: 2p16.3.
Variant type: single nucleotide variant.
Coding change: c.1873T>G on transcript NM_000179.3 (MANE Select); coding-DNA position 1873, T replaced by G.
Protein change: p.Ser625Ala; replaces serine 625 with alanine.
Molecular consequence: missense variant. On other transcripts: non-coding transcript variant (5), intron variant (2).
Genome position (GRCh38, 1-based): chr2:47,799,856, T>G. VCF-style: chr2-47799856-T-G. GRCh37 (hg19) VCF-style: chr2-48026995-T-G.
Other names: c.1483T>G, p.Ser495Ala (NM_001281492.2); c.967T>G, p.Ser323Ala (NM_001281493.2, NM_001281494.2, NM_001406811.1 and 6 more transcripts); c.1969T>G, p.Ser657Ala (NM_001406795.1, NM_001406802.1); c.1873T>G, p.Ser625Ala (NM_001406796.1, NM_001406798.1, NM_001406800.1 and 3 more transcripts); c.1576T>G, p.Ser526Ala (NM_001406797.1, NM_001406801.1, NM_001406805.1 and 10 more transcripts); c.1348T>G, p.Ser450Ala (NM_001406799.1, NM_001406806.1, NM_001406807.1); c.1795T>G, p.Ser599Ala (NM_001406804.1); c.1879T>G, p.Ser627Ala (NM_001406813.1); and 3 more; short protein forms S323A, S526A, S569A, S627A, S657A, S495A, S625A, S450A.
Identifiers: ClinVar variation 4657961 (VCV004657961.1).

ClinVar aggregate classification (germline): Uncertain significance (1 of 4 stars; one submission).

Conditions:
Hereditary cancer-predisposing syndrome. Also called: Neoplastic Syndromes, Hereditary; Tumor predisposition; Hereditary Cancer Syndrome; Hereditary neoplastic syndrome. Identifiers: Orphanet 140162, MedGen C0027672, MeSH D009386, MONDO:0015356.

Submission:

Ambry Genetics
Classification: Uncertain significance for Hereditary cancer-predisposing syndrome. Last evaluated: 2025-11-01. Review status: criteria provided, single submitter. Criteria: Ambry Variant Classification Scheme 2023. Collection method: clinical testing. Allele origin: germline.
Comment: The p.S625A variant (also known as c.1873T>G), located in coding exon 4 of the MSH6 gene, results from a T to G substitution at nucleotide position 1873. The serine at codon 625 is replaced by alanine, an amino acid with similar properties. This amino acid position is conserved. In addition, this alteration is predicted to be tolerated by in silico analysis. Based on the available evidence, the clinical significance of this variant remains unclear.